The following is an entry in ClinVar:

NM_000123.4(ERCC5):c.1906_1908delinsTAT (p.Lys636Tyr)

Genes: BIVM-ERCC5 (BIVM-ERCC5 readthrough; plus strand), ERCC5 (ERCC excision repair 5, endonuclease; plus strand). Cytogenetic location: 13q33.1.
Variant type: Indel.
Coding change: c.1906_1908delinsTAT on transcript NM_000123.4 (MANE Select); coding-DNA positions 1906 to 1908, AAG replaced by TAT.
Protein change: p.Lys636Tyr; replaces lysine 636 with tyrosine.
Molecular consequence: missense variant.
Genome position (GRCh38, 1-based): chr13:102,863,055-102,863,057, AAG replaced by TAT. VCF-style: chr13-102863055-AAG-TAT. GRCh37 (hg19) VCF-style: chr13-103515405-AAG-TAT.
Other names: c.3268_3270delinsTAT, p.Lys1090Tyr (NM_001204425.2); short protein forms K1090Y, K636Y.
Identifiers: ClinVar variation 4884073 (VCV004884073.2).

ClinVar aggregate classification (germline): Uncertain significance (1 of 4 stars; one submission).

Submission:

Dasa
Classification: Uncertain significance. Last evaluated: 2025-05-19. Review status: criteria provided, single submitter. Criteria: DASA Assertion Criteria. Collection method: clinical testing. Allele origin: germline.
Comment: NM_000123.4(ERCC5):c.1906_1908delinsTAT (p.Lys636Tyr) is an in-frame insertion/deletion-insertion predicted to alter the protein sequence without shifting the reading frame. This variant is absent from population databases. The currently available literature and clinical evidence are not sufficient to establish a definitive association between this variant and the reported condition. Therefore, this variant is classified as a variant of uncertain significance.